The following is an entry in ClinVar:

ClinVar aggregate classification (germline): Uncertain significance (1 of 4 stars; one submission).

Submission:

Ambry Genetics
Classification: Uncertain significance. Last evaluated: 2024-10-30. Review status: criteria provided, single submitter. Criteria: Ambry Variant Classification Scheme 2023. Collection method: clinical testing. Allele origin: germline.
Comment: The p.T488P variant (also known as c.1462A>C), located in coding exon 9 of the POLQ gene, results from an A to C substitution at nucleotide position 1462. The threonine at codon 488 is replaced by proline, an amino acid with highly similar properties. This amino acid position is conserved. In addition, the in silico prediction for this alteration is inconclusive. Since supporting evidence is limited at this time, the clinical significance of this alteration remains unclear.

NM_199420.4(POLQ):c.1462A>C (p.Thr488Pro)

Gene: POLQ (DNA polymerase theta; minus strand). Cytogenetic location: 3q13.33.
Variant type: single nucleotide variant.
Coding change: c.1462A>C on transcript NM_199420.4 (MANE Select); coding-DNA position 1462, A replaced by C.
Protein change: p.Thr488Pro; replaces threonine 488 with proline.
Molecular consequence: missense variant.
Genome position (GRCh38, 1-based): chr3:121,519,877, T>G on the plus strand (A>C on the coding strand, the complement: POLQ is on the minus strand). VCF-style: chr3-121519877-T-G. GRCh37 (hg19) VCF-style: chr3-121238724-T-G.
Other names: short protein forms T488P.
Identifiers: ClinVar variation 1773177 (VCV001773177.3), dbSNP rs368277304, ClinGen allele CA354118874.